The following is an entry in ClinVar:

ClinVar aggregate classification (germline): Pathogenic/Likely pathogenic. Review status: criteria provided, multiple submitters, no conflicts (2 of 4 stars). 3 submissions from 3 submitters: Pathogenic (1); Likely pathogenic (2). Last evaluated 2024-05-14.

Conditions:
Congenital dyserythropoietic anemia, type II (CDAN2). Also called: DYSERYTHROPOIETIC ANEMIA, HEMPAS TYPE. Identifiers: Orphanet 98873, MedGen C1306589, MONDO:0009134, OMIM 224100.
Cowden syndrome 7 (CWS7). Identifiers: Orphanet 201, MedGen C4225179, MONDO:0014802, OMIM 616858.

Allele frequency attached by ClinVar (database versions not stated): gnomAD exomes below 0.00001; gnomAD 0.00001; TOPMed 0.00001.
gnomAD v4.1: 6 of 1,613,620 alleles (0.00037%); highest among the groups gnomAD compares: South Asian, 0.0011%; no homozygotes.

Submissions (3):

Fulgent Genetics
Classification: Likely pathogenic for Congenital dyserythropoietic anemia, type II; Cowden syndrome 7. Last evaluated: 2024-05-14. Review status: criteria provided, single submitter. Criteria: ACMG Guidelines, 2015. Collection method: clinical testing. Allele origin: germline.

Labcorp Genetics (formerly Invitae), Labcorp
Classification: Pathogenic for Congenital dyserythropoietic anemia, type II; Cowden syndrome 7. Last evaluated: 2023-04-16. Review status: criteria provided, single submitter. Criteria: Invitae Variant Classification Sherloc (09022015). Collection method: clinical testing. Allele origin: germline.
Comment: For these reasons, this variant has been classified as Pathogenic. ClinVar contains an entry for this variant (Variation ID: 570596). This variant has not been reported in the literature in individuals affected with SEC23B-related conditions. This variant is not present in population databases (gnomAD no frequency). This sequence change creates a premature translational stop signal (p.Arg503*) in the SEC23B gene. It is expected to result in an absent or disrupted protein product. Loss-of-function variants in SEC23B are known to be pathogenic (PMID: 19561605, 25044164).

GeneDx
Classification: Likely pathogenic. Last evaluated: 2022-01-25. Review status: criteria provided, single submitter. Criteria: GeneDx Variant Classification Process June 2021. Collection method: clinical testing. Allele origin: germline. Affected: yes.
Comment: Nonsense variant predicted to result in protein truncation or nonsense mediated decay in a gene for which loss-of-function is a known mechanism of disease; Not observed at significant frequency in large population cohorts (gnomAD); Has not been previously published as pathogenic or benign to our knowledge; This variant is associated with the following publications: (PMID: 31589614)

Literature cited by the submitters: PubMed 19561605 (cited by Labcorp Genetics (formerly Invitae), Labcorp); PubMed 25044164 (cited by Labcorp Genetics (formerly Invitae), Labcorp).

NM_006363.6(SEC23B):c.1507C>T (p.Arg503Ter)

Gene: SEC23B (SEC23 homolog B, COPII component; plus strand). Cytogenetic location: 20p11.23.
Variant type: single nucleotide variant.
Coding change: c.1507C>T on transcript NM_006363.6 (MANE Select); coding-DNA position 1507, C replaced by T.
Protein change: p.Arg503Ter; replaces arginine 503 with a stop codon.
Molecular consequence: nonsense.
Genome position (GRCh38, 1-based): chr20:18,542,398, C>T. VCF-style: chr20-18542398-C-T. GRCh37 (hg19) VCF-style: chr20-18523042-C-T.
Other names: c.1507C>T, p.Arg503Ter (NM_001172745.3, NM_032985.6, NM_032986.5); c.1453C>T, p.Arg485Ter (NM_001172746.3); short protein forms R503*, R485*.
Identifiers: ClinVar variation 570596 (VCV000570596.8), dbSNP rs1568617456, ClinGen allele CA408363915.
Genomic context (GRCh38, chr20:18,542,398, plus strand): 5'-TTTGTCACGCATTATCAGCACTCCAGCACCCAGAGACGCATCCGCGTGACCACCATCGCC[C>T]GAAAGTAAGCAGCCCCAGTTTCCTTTCTGTTGAGGAACTGACTGACATTTTTCCCTTGAA-3'